The following is an entry in ClinVar:

ClinVar aggregate classification (germline): Conflicting classifications of pathogenicity. Review status: criteria provided, conflicting classifications (1 of 4 stars). 8 submissions from 8 submitters: Uncertain significance (4); Likely benign (3). 1 of the submissions does not count toward it. Last evaluated 2026-01-06.

Conditions:
CDH23-related disorder. Also called: CDH23-related condition; CDH23-related disorders.
Inborn genetic diseases. Identifiers: MedGen C0950123, MeSH D030342.
Usher syndrome type 1 (USH1). Also called: RETINITIS PIGMENTOSA AND CONGENITAL DEAFNESS. Identifiers: Orphanet 231169, Orphanet 886, MedGen C1568247, MONDO:0010168, OMIM 276900.

Allele frequency attached by ClinVar (database versions not stated): gnomAD exomes 0.00007 and 0.00014; ExAC 0.00020; TOPMed 0.00070; gnomAD 0.00073 and 0.00080; ESP Exome Variant Server 0.00080; 1000 Genomes Project 30x 0.00094; 1000 Genomes Project 0.00100.
gnomAD v4.1: 208 of 1,613,652 alleles (0.013%); highest among the groups gnomAD compares: African/African-American, 0.26%; 1 homozygote.

Submissions (8):

Labcorp Genetics (formerly Invitae), Labcorp
Classification: Likely benign. Last evaluated: 2026-01-06. Review status: criteria provided, single submitter. Criteria: Invitae Variant Classification Sherloc (09022015). Collection method: clinical testing. Allele origin: germline.

Ambry Genetics
Classification: Uncertain significance for Inborn genetic diseases. Last evaluated: 2025-07-04. Review status: criteria provided, single submitter. Criteria: Ambry Variant Classification Scheme 2023. Collection method: clinical testing. Allele origin: germline.

PreventionGenetics, part of Exact Sciences
Classification: Likely benign for CDH23-related condition. Last evaluated: 2025-01-30. Review status: criteria provided, single submitter. Criteria: ACMG Guidelines, 2015. Collection method: clinical testing. Allele origin: germline.
Comment: This variant is classified as likely benign based on ACMG/AMP sequence variant interpretation guidelines (Richards et al. 2015 PMID: 25741868, with internal and published modifications).

Blueprint Genetics
Classification: Likely benign. Last evaluated: 2024-04-09. Review status: criteria provided, single submitter. Criteria: ACMG Guidelines, 2015. Collection method: clinical testing. Allele origin: germline.

GeneDx
Classification: Uncertain significance. Last evaluated: 2021-09-02. Review status: criteria provided, single submitter. Criteria: GeneDx Variant Classification Process June 2021. Collection method: clinical testing. Allele origin: germline. Affected: yes.
Comment: In silico analysis supports that this missense variant does not alter protein structure/function; Has not been previously published as pathogenic or benign to our knowledge

Eurofins Ntd Llc (ga)
Classification: Uncertain significance. Last evaluated: 2018-02-01. Review status: criteria provided, single submitter. Criteria: EGL Classification Definitions 2015. Collection method: clinical testing. Allele origin: germline. Observed: 1 variant allele, 1 heterozygote.

Laboratory for Molecular Medicine, Mass General Brigham Personalized Medicine
Classification: Uncertain significance. Last evaluated: 2015-02-18. Review status: criteria provided, single submitter. Criteria: LMM Criteria. Collection method: clinical testing. Allele origin: germline. Observed: 2 variant alleles.
Comment: Variant classified as Uncertain Significance - Favor Benign. This variant has also been identified in 0.2% (24/9802) of African chromosomes by the Exome Aggregati on Consortium (ExAC; dbSNP rs139287714). Althoug h this variant has been seen in the general population, its frequency is not hig h enough to rule out a pathogenic role. Computational prediction tools and conse rvation analyses suggest that this variant may impact the protein, though this i nformation is not predictive enough to determine pathogenicity. In summary, the clinical significance of this variant cannot be determined with certainty; howev er, the frequency data suggest that it is more likely to be benign.

Natera, Inc.
Classification: Uncertain significance for Usher syndrome type 1. Last evaluated: 2020-01-08. Review status: no assertion criteria provided. Collection method: clinical testing. Allele origin: germline. Not counted in ClinVar's aggregate classification.

NM_022124.6(CDH23):c.1301A>G (p.Asn434Ser)

Gene: CDH23 (cadherin related 23; plus strand). Cytogenetic location: 10q22.1.
Variant type: single nucleotide variant.
Coding change: c.1301A>G on transcript NM_022124.6 (MANE Select); coding-DNA position 1301, A replaced by G.
Protein change: p.Asn434Ser; replaces asparagine 434 with serine.
Molecular consequence: missense variant.
Genome position (GRCh38, 1-based): chr10:71,646,469, A>G. VCF-style: chr10-71646469-A-G. GRCh37 (hg19) VCF-style: chr10-73406226-A-G.
Other names: c.1301A>G, p.Asn434Ser (NM_001171930.2, NM_001171931.2, NM_052836.4); short protein forms N434S.
Identifiers: ClinVar variation 162880 (VCV000162880.25), dbSNP rs139287714, ClinGen allele CA175461.
Genomic context (GRCh38, chr10:71,646,469, plus strand): 5'-TGGGAGGGGACATGTGGGAGCTTACCTGGGCCCCTGTTCTGCACCCCCAGCTCTTTGCCA[A>G]TGAGAGTGTGCCTGACCATGTGGGCTATGCCAAGGTGAAGATCACTCTCATCAATGAAAA-3'
Protein context (NP_071407.4, residues 424-444): VDRYDFDLFA[Asn434Ser]ESVPDHVGYA